The following is an entry in ClinVar:

NM_000256.3(MYBPC3):c.2951A>G (p.Gln984Arg)

Gene: MYBPC3 (myosin binding protein C3; minus strand). Cytogenetic location: 11p11.2.
Variant type: single nucleotide variant.
Coding change: c.2951A>G on transcript NM_000256.3 (MANE Select); coding-DNA position 2951, A replaced by G.
Protein change: p.Gln984Arg; replaces glutamine 984 with arginine.
Molecular consequence: missense variant.
Genome position (GRCh38, 1-based): chr11:47,333,965, T>C on the plus strand (A>G on the coding strand, the complement: MYBPC3 is on the minus strand). VCF-style: chr11-47333965-T-C. GRCh37 (hg19) VCF-style: chr11-47355516-T-C.
Other names: short protein forms Q984R.
Identifiers: ClinVar variation 3704640 (VCV003704640.2).

ClinVar aggregate classification (germline): Uncertain significance (1 of 4 stars; one submission).

Conditions:
Hypertrophic cardiomyopathy. Also called: HYPERTROPHIC MYOCARDIOPATHY. Identifiers: Orphanet 217569, MedGen C0007194, MeSH D002312, MONDO:0005045, HP:0001639.

Submission:

Labcorp Genetics (formerly Invitae), Labcorp
Classification: Uncertain significance for Hypertrophic cardiomyopathy. Last evaluated: 2024-08-29. Review status: criteria provided, single submitter. Criteria: Invitae Variant Classification Sherloc (09022015). Collection method: clinical testing. Allele origin: germline.
Comment: This sequence change replaces glutamine, which is neutral and polar, with arginine, which is basic and polar, at codon 984 of the MYBPC3 protein (p.Gln984Arg). This variant is not present in population databases (gnomAD no frequency). This variant has not been reported in the literature in individuals affected with MYBPC3-related conditions. An algorithm developed to predict the effect of missense changes on protein structure and function (PolyPhen-2) suggests that this variant is likely to be tolerated. In summary, the available evidence is currently insufficient to determine the role of this variant in disease. Therefore, it has been classified as a Variant of Uncertain Significance.